The following is an entry in ClinVar:

ClinVar aggregate classification (germline): Uncertain significance (1 of 4 stars; one submission).

Conditions:
Muscular dystrophy-dystroglycanopathy (congenital with brain and eye anomalies), type a, 11 (MDDGA11). Also called: Congenital muscular dystrophy-dystroglycanopathy with brain and eye anomalies, type A11; Muscular dystrophy-dystroglycanopathy (congenital with brain and eye anomalies, type A, 11; WALKER-WARBURG SYNDROME OR MUSCLE-EYE-BRAIN DISEASE, B3GALNT2-RELATED. Identifiers: Orphanet 588, Orphanet 899, MedGen C3554638, MONDO:0014071, OMIM 615181.

Allele frequency attached by ClinVar (database versions not stated): gnomAD exomes below 0.00001.
gnomAD v4.1: 1 of 1,614,008 alleles (0.000062%); highest among the groups gnomAD compares: South Asian, 0.0011%; no homozygotes.

Submission:

Labcorp Genetics (formerly Invitae), Labcorp
Classification: Uncertain significance for Muscular dystrophy-dystroglycanopathy (congenital with brain and eye anomalies), type a, 11. Last evaluated: 2021-05-05. Review status: criteria provided, single submitter. Criteria: Invitae Variant Classification Sherloc (09022015). Collection method: clinical testing. Allele origin: germline.
Comment: This sequence change replaces histidine with tyrosine at codon 231 of the B3GALNT2 protein (p.His231Tyr). The histidine residue is weakly conserved and there is a moderate physicochemical difference between histidine and tyrosine. In summary, the available evidence is currently insufficient to determine the role of this variant in disease. Therefore, it has been classified as a Variant of Uncertain Significance. This variant has not been reported in the literature in individuals with B3GALNT2-related conditions. Algorithms developed to predict the effect of missense changes on protein structure and function output the following: SIFT: "Tolerated"; PolyPhen-2: "Benign"; Align-GVGD: "Class C0". The tyrosine amino acid residue is found in multiple mammalian species, suggesting that this missense change does not adversely affect protein function. These predictions have not been confirmed by published functional studies and their clinical significance is uncertain. This variant is not present in population databases (ExAC no frequency).

NM_152490.5(B3GALNT2):c.691C>T (p.His231Tyr)

Gene: B3GALNT2 (beta-1,3-N-acetylgalactosaminyltransferase 2; minus strand). Cytogenetic location: 1q42.3.
Variant type: single nucleotide variant.
Coding change: c.691C>T on transcript NM_152490.5 (MANE Select); coding-DNA position 691, C replaced by T.
Protein change: p.His231Tyr; replaces histidine 231 with tyrosine.
Molecular consequence: missense variant.
Genome position (GRCh38, 1-based): chr1:235,470,921, G>A on the plus strand (C>T on the coding strand, the complement: B3GALNT2 is on the minus strand). VCF-style: chr1-235470921-G-A. GRCh37 (hg19) VCF-style: chr1-235634235-G-A.
Other names: c.814C>T, p.His272Tyr (NM_001277155.3); short protein forms H231Y, H272Y.
Identifiers: ClinVar variation 1436655 (VCV001436655.8), dbSNP rs945312438, ClinGen allele CA39566309.